The following is an entry in ClinVar:

NM_000587.4(C7):c.2237A>G (p.His746Arg)

Gene: C7 (complement C7; plus strand). Cytogenetic location: 5p13.1.
Variant type: single nucleotide variant.
Coding change: c.2237A>G on transcript NM_000587.4 (MANE Select); coding-DNA position 2237, A replaced by G.
Protein change: p.His746Arg; replaces histidine 746 with arginine.
Molecular consequence: missense variant.
Genome position (GRCh38, 1-based): chr5:40,979,796, A>G. VCF-style: chr5-40979796-A-G. GRCh37 (hg19) VCF-style: chr5-40979898-A-G.
Other names: short protein forms H746R.
Identifiers: ClinVar variation 1969529 (VCV001969529.5), dbSNP rs2478284216, ClinGen allele CA359595058.

ClinVar aggregate classification (germline): Uncertain significance (1 of 4 stars; one submission).

gnomAD v4.1: 4 of 1,613,706 alleles (0.00025%); highest among the groups gnomAD compares: Non-Finnish European, 0.00034%; no homozygotes.

Submission:

Labcorp Genetics (formerly Invitae), Labcorp
Classification: Uncertain significance. Last evaluated: 2022-01-17. Review status: criteria provided, single submitter. Criteria: Invitae Variant Classification Sherloc (09022015). Collection method: clinical testing. Allele origin: germline.
Comment: In summary, the available evidence is currently insufficient to determine the role of this variant in disease. Therefore, it has been classified as a Variant of Uncertain Significance. Algorithms developed to predict the effect of missense changes on protein structure and function output the following: SIFT: "Deleterious"; PolyPhen-2: "Benign"; Align-GVGD: "Class C0". The arginine amino acid residue is found in multiple mammalian species, which suggests that this missense change does not adversely affect protein function. This variant has not been reported in the literature in individuals affected with C7-related conditions. This variant is not present in population databases (gnomAD no frequency). This sequence change replaces histidine, which is basic and polar, with arginine, which is basic and polar, at codon 746 of the C7 protein (p.His746Arg).